The following is an entry in ClinVar:

NM_018249.6(CDK5RAP2):c.3901C>T (p.Gln1301Ter)

Gene: CDK5RAP2 (CDK5 regulatory subunit associated protein 2; minus strand). Cytogenetic location: 9q33.2.
Variant type: single nucleotide variant.
Coding change: c.3901C>T on transcript NM_018249.6 (MANE Select); coding-DNA position 3901, C replaced by T.
Protein change: p.Gln1301Ter; replaces glutamine 1301 with a stop codon.
Molecular consequence: nonsense. On other transcripts: non-coding transcript variant (5).
Genome position (GRCh38, 1-based): chr9:120,437,349, G>A on the plus strand (C>T on the coding strand, the complement: CDK5RAP2 is on the minus strand). VCF-style: chr9-120437349-G-A. GRCh37 (hg19) VCF-style: chr9-123199627-G-A.
Other names: c.3901C>T, p.Gln1301Ter (NM_001011649.3); c.3211C>T, p.Gln1071Ter (NM_001272039.2); c.3802C>T, p.Gln1268Ter (NM_001410992.1); c.3805C>T, p.Gln1269Ter (NM_001410993.1); c.3898C>T, p.Gln1300Ter (NM_001410994.1); short protein forms Q1071*, Q1268*, Q1269*, Q1301*, Q1300*.
Identifiers: ClinVar variation 3014614 (VCV003014614.5), dbSNP rs375727174, ClinGen allele CA5213734.

ClinVar aggregate classification (germline): Pathogenic/Likely pathogenic. Review status: criteria provided, multiple submitters, no conflicts (2 of 4 stars). 2 submissions from 2 submitters: Pathogenic (1); Likely pathogenic (1). Last evaluated 2025-10-17.

Allele frequency attached by ClinVar (database versions not stated): TOPMed 0.00001; gnomAD 0.00001; ESP Exome Variant Server 0.00008; ExAC 0.00001.
gnomAD v4.1: 2 of 1,613,976 alleles (0.00012%); highest among the groups gnomAD compares: Non-Finnish European, 0.00017%; no homozygotes.

Submissions (2):

Dasa
Classification: Likely pathogenic. Last evaluated: 2025-10-17. Review status: criteria provided, single submitter. Criteria: DASA Assertion Criteria. Collection method: clinical testing. Allele origin: germline.
Comment: NM_018249.6(CDK5RAP2):c.3901C>T (p.Gln1301*) is a nonsense variant in CDK5RAP2 predicted to introduce a premature termination codon and is predicted to result in an absent or altered protein product. Loss of function is an established disease mechanism for CDK5RAP2-associated disorders. Also, this variant is rare in population databases. Based on the currently available evidence, this variant is classified as likely pathogenic.

Labcorp Genetics (formerly Invitae), Labcorp
Classification: Pathogenic. Last evaluated: 2023-05-16. Review status: criteria provided, single submitter. Criteria: Invitae Variant Classification Sherloc (09022015). Collection method: clinical testing. Allele origin: germline.
Comment: This variant has not been reported in the literature in individuals affected with CDK5RAP2-related conditions. This variant is present in population databases (rs375727174, gnomAD 0.002%). This sequence change creates a premature translational stop signal (p.Gln1301*) in the CDK5RAP2 gene. It is expected to result in an absent or disrupted protein product. Loss-of-function variants in CDK5RAP2 are known to be pathogenic (PMID: 15793586, 20460369, 26436113). For these reasons, this variant has been classified as Pathogenic.

Literature cited by the submitters: PubMed 15793586 (cited by Labcorp Genetics (formerly Invitae), Labcorp); PubMed 20460369 (cited by Labcorp Genetics (formerly Invitae), Labcorp); PubMed 26436113 (cited by Labcorp Genetics (formerly Invitae), Labcorp).